The following is an entry in ClinVar:

NM_000053.4(ATP7B):c.2145C>A (p.Tyr715Ter)

Gene: ATP7B (ATPase copper transporting beta; minus strand). Cytogenetic location: 13q14.3.
Variant type: single nucleotide variant.
Coding change: c.2145C>A on transcript NM_000053.4 (MANE Select); coding-DNA position 2145, C replaced by A.
Protein change: p.Tyr715Ter; replaces tyrosine 715 with a stop codon.
Molecular consequence: nonsense. On other transcripts: intron variant (2).
Genome position (GRCh38, 1-based): chr13:51,958,521, G>T on the plus strand (C>A on the coding strand, the complement: ATP7B is on the minus strand). VCF-style: chr13-51958521-G-T. GRCh37 (hg19) VCF-style: chr13-52532657-G-T.
Other names: c.1812C>A, p.Tyr604Ter (NM_001243182.2); c.1893C>A, p.Tyr631Ter (NM_001330579.2); c.1870-914C>A (NM_001005918.3); c.2122-914C>A (NM_001330578.2); short protein forms Y715*, Y604*, Y631*.
Identifiers: ClinVar variation 555174 (VCV000555174.9), dbSNP rs751202110, ClinGen allele CA388023303.

ClinVar aggregate classification (germline): Pathogenic. Review status: criteria provided, multiple submitters, no conflicts (2 of 4 stars). 5 submissions from 5 submitters: Pathogenic (4). 1 of the submissions does not count toward it. Last evaluated 2024-10-27.

Conditions:
Wilson disease (WND). Also called: Wilson's disease. Identifiers: Orphanet 905, MedGen C0019202, MONDO:0010200, OMIM 277900. Disease mechanism: loss of function.

Submissions (5):

Natera, Inc.
Classification: Pathogenic for Wilson disease. Last evaluated: 2024-10-27. Review status: criteria provided, single submitter. Criteria: Natera Variant Classification Schema (03/2026). Collection method: clinical testing. Allele origin: germline.
Comment: The c.2145C>A variant in ATP7B is a nonsense variant predicted to introduce a stop codon at amino acid 715. This variant is expected to result in nonsense mediated decay, truncation, or a dysfunctional protein product. This variant is rare in the general population with a frequency below the threshold expected for the associated phenotype(s). This variant has been observed in one or more individuals affected with the associated recessive disease, as either homozygous or compound heterozygous with a second variant (PMID: 34324271). Given the available evidence, this variant is classified as Pathogenic.

Chongqing Key Laboratory of Child Rare Diseases in Infection and Immunity, Children’s Hospital of Chongqing Medical University
Classification: Pathogenic for Wilson disease. Last evaluated: 2024-01-01. Review status: criteria provided, single submitter. Criteria: ACMG Guidelines, 2015. Collection method: clinical testing. Allele origin: germline. Inheritance: Autosomal recessive inheritance. Affected: yes.
Comment: Classified as Pathogenic according to the ACMG/AMP 2015 guidelines (PMID:25741868). The classification was based on the available submitted evidence for Wilson disease (OMIM:277900), including clinical-testing observations, variant consequence/protein annotation, and published or ClinVar evidence where available. Supporting information considered: variant annotation: p.Tyr715Ter; Nonsense; Protein domain: TM-associated / cytosolic loop; submitted notation: NM_000053.4:c.2145C>A (p.Tyr715Ter); source variant type: Nonsense; source domain: TM-associated / cytosolic loop; allele count n=230: 1.

Labcorp Genetics (formerly Invitae), Labcorp
Classification: Pathogenic for Wilson disease. Last evaluated: 2023-06-29. Review status: criteria provided, single submitter. Criteria: Invitae Variant Classification Sherloc (09022015). Collection method: clinical testing. Allele origin: germline.
Comment: For these reasons, this variant has been classified as Pathogenic. ClinVar contains an entry for this variant (Variation ID: 555174). This premature translational stop signal has been observed in individual(s) with clinical features of Wilson disease (PMID: 17264425, 24475083). This variant is not present in population databases (gnomAD no frequency). This sequence change creates a premature translational stop signal (p.Tyr715*) in the ATP7B gene. It is expected to result in an absent or disrupted protein product. Loss-of-function variants in ATP7B are known to be pathogenic (PMID: 10441329, 16283883).

Genome-Nilou Lab
Classification: Pathogenic for Wilson disease. Last evaluated: 2021-08-10. Review status: criteria provided, single submitter. Criteria: ACMG Guidelines, 2015. Collection method: clinical testing. Allele origin: germline. Affected: no.

Counsyl
Classification: Pathogenic for Wilson disease. Last evaluated: 2017-11-21. Review status: no assertion criteria provided. Collection method: clinical testing. Allele origin: unknown. Not counted in ClinVar's aggregate classification.

Literature cited by the submitters: PubMed 34324271 (cited by Natera, Inc.); PubMed 17264425 (cited by Labcorp Genetics (formerly Invitae), Labcorp and Counsyl); PubMed 24475083 (cited by Labcorp Genetics (formerly Invitae), Labcorp and Counsyl); PubMed 10441329 (cited by Labcorp Genetics (formerly Invitae), Labcorp); PubMed 16283883 (cited by Labcorp Genetics (formerly Invitae), Labcorp); PubMed 25525159 (cited by Counsyl).